The following is an entry in ClinVar:

NM_005732.4(RAD50):c.821C>G (p.Ala274Gly)

Gene: RAD50 (RAD50 double strand break repair protein; plus strand). Cytogenetic location: 5q31.1.
Variant type: single nucleotide variant.
Coding change: c.821C>G on transcript NM_005732.4 (MANE Select); coding-DNA position 821, C replaced by G.
Protein change: p.Ala274Gly; replaces alanine 274 with glycine.
Molecular consequence: missense variant.
Genome position (GRCh38, 1-based): chr5:132,587,626, C>G. VCF-style: chr5-132587626-C-G. GRCh37 (hg19) VCF-style: chr5-131923318-C-G.
Other names: short protein forms A274G.
Identifiers: ClinVar variation 141701 (VCV000141701.3), dbSNP rs587781947, ClinGen allele CA166171.
Genomic context (GRCh38, chr5:132,587,626, plus strand): 5'-GTCTAAAAGAAATTGAACATAATCTCTCTAAAATAATGAAACTTGACAATGAAATTAAAG[C>G]CTTGGATAGCCGAAAGAAGCAAATGGAGAAAGATAATAGTGAACTGGAAGAGAAAATGGA-3'
Protein context (NP_005723.2, residues 264-284): KIMKLDNEIK[Ala274Gly]LDSRKKQMEK

ClinVar aggregate classification (germline): Uncertain significance (1 of 4 stars; one submission).

Conditions:
Hereditary cancer-predisposing syndrome. Also called: Neoplastic Syndromes, Hereditary; Tumor predisposition; Hereditary Cancer Syndrome; Hereditary neoplastic syndrome. Identifiers: Orphanet 140162, MedGen C0027672, MeSH D009386, MONDO:0015356.

gnomAD v4.1: 4 of 1,613,506 alleles (0.00025%); highest among the groups gnomAD compares: Admixed American, 0.0017%; no homozygotes.

Submission:

Ambry Genetics
Classification: Uncertain significance for Hereditary cancer-predisposing syndrome. Last evaluated: 2014-03-19. Review status: criteria provided, single submitter. Criteria: Ambry Autosomal Dominant and X-Linked criteria (10/2015). Collection method: clinical testing. Allele origin: germline. Observed: 1 variant allele.
Comment: The p.A274G variant (also known as c.821C>G), located in coding exon 6 of the RAD50 gene, results from a C to G substitution at nucleotide position 821. The alanine at codon 274 is replaced by glycine, an amino acid with similar properties. This variant was not reported in population based cohorts in the following databases: Database of Single Nucleotide Polymorphisms (dbSNP), NHLBI Exome Sequencing Project (ESP), and 1000 Genomes Project. To date, this alteration has been detected with an allele frequency of approximately 0.006% (greater than 15,000 alleles tested) in our clinical cohort (includes this individual). This amino acid position is highly conserved in available vertebrate species. In addition, this alteration is predicted to be benign and deleterious by PolyPhen and SIFT in silico analyses, respectively. Since supporting evidence is limited at this time, the clinical significance of p.A274G remains unclear.Ã¢â‚¬â€¹